The following is an entry in ClinVar:

ClinVar aggregate classification (germline): Uncertain significance (1 of 4 stars; one submission).

Conditions:
Hypertrophic cardiomyopathy. Also called: HYPERTROPHIC MYOCARDIOPATHY. Identifiers: Orphanet 217569, MedGen C0007194, MeSH D002312, MONDO:0005045, HP:0001639.

Submission:

Labcorp Genetics (formerly Invitae), Labcorp
Classification: Uncertain significance for Hypertrophic cardiomyopathy. Last evaluated: 2026-01-06. Review status: criteria provided, single submitter. Criteria: Invitae Variant Classification Sherloc (09022015). Collection method: clinical testing. Allele origin: germline.
Comment: This sequence change replaces lysine, which is basic and polar, with arginine, which is basic and polar, at codon 206 of the TNNI3 protein (p.Lys206Arg). This variant is not present in population databases (gnomAD no frequency). This variant has not been reported in the literature in individuals affected with TNNI3-related conditions. An algorithm developed to predict the effect of missense changes on protein structure and function (PolyPhen-2) suggests that this variant is likely to be disruptive. In summary, the available evidence is currently insufficient to determine the role of this variant in disease. Therefore, it has been classified as a Variant of Uncertain Significance.

NM_000363.5(TNNI3):c.617A>G (p.Lys206Arg)

Gene: TNNI3 (troponin I3, cardiac type; minus strand). Cytogenetic location: 19q13.42.
Variant type: single nucleotide variant.
Coding change: c.617A>G on transcript NM_000363.5 (MANE Select); coding-DNA position 617, A replaced by G.
Protein change: p.Lys206Arg; replaces lysine 206 with arginine.
Molecular consequence: missense variant.
Genome position (GRCh38, 1-based): chr19:55,151,850, T>C on the plus strand (A>G on the coding strand, the complement: TNNI3 is on the minus strand). VCF-style: chr19-55151850-T-C. GRCh37 (hg19) VCF-style: chr19-55663218-T-C.
Other names: short protein forms K206R.
Identifiers: ClinVar variation 4805186 (VCV004805186.1).
Genomic context (GRCh38, chr19:55,151,850, plus strand): 5'-TTCCTCAGGGCCCTCCTCAGGGCAGGGGCAGTAGGCAGGAAGGCTCAGCTCTCAAACTTT[T>C]TCTTGCGGCCCTCCATTCCACTCAGTGCATCGATGTTCTTGCGCCAGTCTCCCACCTCCC-3'
Protein context (NP_000354.4, residues 196-210): DALSGMEGRK[Lys206Arg]KFES